The following is an entry in ClinVar:

NM_207361.6(FREM2):c.4886A>G (p.Tyr1629Cys)

Gene: FREM2 (FRAS1 related extracellular matrix 2; plus strand). Cytogenetic location: 13q13.3.
Variant type: single nucleotide variant.
Coding change: c.4886A>G on transcript NM_207361.6 (MANE Select); coding-DNA position 4886, A replaced by G.
Protein change: p.Tyr1629Cys; replaces tyrosine 1629 with cysteine.
Molecular consequence: missense variant.
Genome position (GRCh38, 1-based): chr13:38,692,230, A>G. VCF-style: chr13-38692230-A-G. GRCh37 (hg19) VCF-style: chr13-39266367-A-G.
Other names: c.4886A>G (NM_207361.4); short protein forms Y1629C.
Identifiers: ClinVar variation 1487832 (VCV001487832.8), dbSNP rs553816676, ClinGen allele CA6955087.

ClinVar aggregate classification (germline): Uncertain significance. Review status: criteria provided, multiple submitters, no conflicts (2 of 4 stars). 3 submissions from 3 submitters: Uncertain significance (3). Last evaluated 2025-10-22.

Conditions:
Isolated cryptophthalmia. Also called: ANKYLOBLEPHARON, SIMPLE; Cryptophthalmos, unilateral or bilateral, isolated. Identifiers: Orphanet 91396, MedGen C1852453, MONDO:0007410, OMIM 123570.
Fraser syndrome 2 (FRASRS2). Identifiers: MedGen C4540036, MONDO:0054738, OMIM 617666.
Inborn genetic diseases. Identifiers: MedGen C0950123, MeSH D030342.

Allele frequency attached by ClinVar (database versions not stated): gnomAD exomes 0.00012; ExAC 0.00018; 1000 Genomes Project 0.00040; 1000 Genomes Project 30x 0.00078.
gnomAD v4.1: 321 of 1,614,202 alleles (0.02%); highest among the groups gnomAD compares: African/African-American, 0.023%; no homozygotes.

Submissions (3):

Ambry Genetics
Classification: Uncertain significance for Inborn genetic diseases. Last evaluated: 2025-10-22. Review status: criteria provided, single submitter. Criteria: Ambry Variant Classification Scheme 2023. Collection method: clinical testing. Allele origin: germline.

Fulgent Genetics
Classification: Uncertain significance for Isolated cryptophthalmia; Fraser syndrome 2. Last evaluated: 2022-01-12. Review status: criteria provided, single submitter. Criteria: ACMG Guidelines, 2015. Collection method: clinical testing. Allele origin: unknown.

Labcorp Genetics (formerly Invitae), Labcorp
Classification: Uncertain significance. Last evaluated: 2021-08-14. Review status: criteria provided, single submitter. Criteria: Invitae Variant Classification Sherloc (09022015). Collection method: clinical testing. Allele origin: germline.
Comment: This sequence change replaces tyrosine with cysteine at codon 1629 of the FREM2 protein (p.Tyr1629Cys). The tyrosine residue is highly conserved and there is a large physicochemical difference between tyrosine and cysteine. This variant is present in population databases (rs553816676, ExAC 0.06%). This variant has not been reported in the literature in individuals affected with FREM2-related conditions. Algorithms developed to predict the effect of missense changes on protein structure and function are either unavailable or do not agree on the potential impact of this missense change (SIFT: "Deleterious"; PolyPhen-2: "Possibly Damaging"; Align-GVGD: "Class C0"). In summary, the available evidence is currently insufficient to determine the role of this variant in disease. Therefore, it has been classified as a Variant of Uncertain Significance.